The following is an entry in ClinVar:

NM_001458.5(FLNC):c.6845A>G (p.Glu2282Gly)

Genes: FLNC (filamin C; plus strand), FLNC-AS1 (FLNC antisense RNA 1; minus strand). Cytogenetic location: 7q32.1.
Variant type: single nucleotide variant.
Coding change: c.6845A>G on transcript NM_001458.5 (MANE Select); coding-DNA position 6845, A replaced by G.
Protein change: p.Glu2282Gly; replaces glutamic acid 2282 with glycine.
Molecular consequence: missense variant.
Genome position (GRCh38, 1-based): chr7:128,854,530, A>G. VCF-style: chr7-128854530-A-G. GRCh37 (hg19) VCF-style: chr7-128494584-A-G.
Other names: c.6746A>G, p.Glu2249Gly (NM_001127487.2); short protein forms E2249G, E2282G.
Identifiers: ClinVar variation 1004252 (VCV001004252.9), dbSNP rs1808970524, ClinGen allele CA369213904.
Genomic context (GRCh38, chr7:128,854,530, plus strand): 5'-AAGCCGCAGAGATCGTCGAGGGCGAGGACAGCGCCTACAGCGTGCGCTTTGTGCCCCAGG[A>G]AATGGGGCCCCATACGGTCGCTGTCAAGTACCGTGGCCAGCACGTGCCCGGCAGCCCCTT-3'
Protein context (NP_001449.3, residues 2272-2292): SAYSVRFVPQ[Glu2282Gly]MGPHTVAVKY

ClinVar aggregate classification (germline): Uncertain significance (1 of 4 stars; one submission).

Conditions:
Distal myopathy with posterior leg and anterior hand involvement. Also called: WILLIAMS DISTAL MYOPATHY. Identifiers: Orphanet 63273, MedGen C3279722, MONDO:0013550, OMIM 614065.
Hypertrophic cardiomyopathy 26. Also called: Cardiomyopathy, familial hypertrophic, 26. Identifiers: Orphanet 75249, MedGen C4310749, MONDO:0014883, OMIM 617047.
Myofibrillar myopathy 5. Also called: Filaminopathy (type); FILAMINOPATHY, AUTOSOMAL DOMINANT. Identifiers: Orphanet 171445, MedGen C1836050, MONDO:0012289, OMIM 609524.

Submission:

Labcorp Genetics (formerly Invitae), Labcorp
Classification: Uncertain significance for Distal myopathy with posterior leg and anterior hand involvement; Myofibrillar myopathy 5; Hypertrophic cardiomyopathy 26. Last evaluated: 2020-08-04. Review status: criteria provided, single submitter. Criteria: Invitae Variant Classification Sherloc (09022015). Collection method: clinical testing. Allele origin: germline.
Comment: In summary, the available evidence is currently insufficient to determine the role of this variant in disease. Therefore, it has been classified as a Variant of Uncertain Significance. Algorithms developed to predict the effect of missense changes on protein structure and function are either unavailable or do not agree on the potential impact of this missense change (SIFT: "Tolerated"; PolyPhen-2: "Probably Damaging"; Align-GVGD: "Class C0"). This variant has not been reported in the literature in individuals with FLNC-related conditions. This variant is not present in population databases (ExAC no frequency). This sequence change replaces glutamic acid with glycine at codon 2282 of the FLNC protein (p.Glu2282Gly). The glutamic acid residue is highly conserved and there is a moderate physicochemical difference between glutamic acid and glycine.